The following is an entry in ClinVar:

NM_018127.7(ELAC2):c.2278_2298dup (p.Pro766_Leu767insMetProLysLeuIleProPro)

Gene: ELAC2 (elaC ribonuclease Z 2; minus strand). Cytogenetic location: 17p12.
Variant type: Duplication.
Coding change: c.2278_2298dup on transcript NM_018127.7 (MANE Select); coding-DNA positions 2278 to 2298, 21 bases duplicated (ATGCCCAAGCTGATTCCCCCA).
Protein change: p.Pro766_Leu767insMetProLysLeuIleProPro.
Molecular consequence: inframe insertion.
Genome position (GRCh38, 1-based): chr17:12,993,001-12,993,021, TGGGGGAATCAGCTTGGGCAT duplicated on the plus strand (ATGCCCAAGCTGATTCCCCCA on the coding strand, the reverse complement: ELAC2 is on the minus strand); duplicating any 21 consecutive bases within chr17:12,993,001-12,993,023 gives the same sequence; the c. name uses the placement nearest the transcript's 3' end. VCF-style (leftmost placement, unchanged base first): chr17-12993000-G-GTGGGGGAATCAGCTTGGGCAT. GRCh37 (hg19) VCF-style: chr17-12896317-G-GTGGGGGAATCAGCTTGGGCAT.
Other names: c.2158_2178dup, p.Pro726_Leu727insMetProLysLeuIleProPro (NM_001165962.2); c.2275_2295dup, p.Pro765_Leu766insMetProLysLeuIleProPro (NM_173717.2).
Identifiers: ClinVar variation 2001396 (VCV002001396.4), dbSNP rs2508202567, ClinGen allele CA2580092564.

ClinVar aggregate classification (germline): Uncertain significance (1 of 4 stars; one submission).

Conditions:
Combined oxidative phosphorylation defect type 17. Also called: Combined oxidative phosphorylation deficiency 17. Identifiers: Orphanet 369913, MedGen C3809526, MONDO:0014190, OMIM 615440.

Submission:

Labcorp Genetics (formerly Invitae), Labcorp
Classification: Uncertain significance for Combined oxidative phosphorylation defect type 17. Last evaluated: 2024-04-05. Review status: criteria provided, single submitter. Criteria: Invitae Variant Classification Sherloc (09022015). Collection method: clinical testing. Allele origin: germline.
Comment: This variant, c.2278_2298dup, results in the insertion of 7 amino acid(s) of the ELAC2 protein (p.Met760_Pro766dup), but otherwise preserves the integrity of the reading frame. This variant is not present in population databases (gnomAD no frequency). This variant has not been reported in the literature in individuals affected with ELAC2-related conditions. ClinVar contains an entry for this variant (Variation ID: 2001396). Experimental studies and prediction algorithms are not available or were not evaluated, and the functional significance of this variant is currently unknown. In summary, the available evidence is currently insufficient to determine the role of this variant in disease. Therefore, it has been classified as a Variant of Uncertain Significance.